The following is an entry in ClinVar:

NM_002734.5(PRKAR1A):c.1079G>T (p.Gly360Val)

Gene: PRKAR1A (protein kinase cAMP-dependent type I regulatory subunit alpha; plus strand). Cytogenetic location: 17q24.2.
Variant type: single nucleotide variant.
Coding change: c.1079G>T on transcript NM_002734.5 (MANE Select); coding-DNA position 1079, G replaced by T.
Protein change: p.Gly360Val; replaces glycine 360 with valine.
Molecular consequence: missense variant. On other transcripts: intron variant (1).
Genome position (GRCh38, 1-based): chr17:68,530,382, G>T. VCF-style: chr17-68530382-G-T. GRCh37 (hg19) VCF-style: chr17-66526523-G-T.
Other names: c.1079G>T, p.Gly360Val (NM_001276289.2, NM_001278433.2, NM_001369389.1 and 3 more transcripts); c.973+381G>T (NM_001276290.1); short protein forms G360V.
Identifiers: ClinVar variation 647384 (VCV000647384.1), dbSNP rs1600496410, ClinGen allele CA400754788.

ClinVar aggregate classification (germline): Uncertain significance (1 of 4 stars; one submission).

Conditions:
Carney complex, type 1 (CNC1). Also called: CARNEY COMPLEX, TYPE I; CARNEY MYXOMA-ENDOCRINE COMPLEX. Identifiers: Orphanet 1359, MedGen C2607929, MONDO:0008057, OMIM 160980.

Submission:

Labcorp Genetics (formerly Invitae), Labcorp
Classification: Uncertain significance for Carney complex, type 1. Last evaluated: 2018-12-24. Review status: criteria provided, single submitter. Criteria: Invitae Variant Classification Sherloc (09022015). Collection method: clinical testing. Allele origin: germline.
Comment: This sequence change replaces glycine with valine at codon 360 of the PRKAR1A protein (p.Gly360Val). The glycine residue is highly conserved and there is a moderate physicochemical difference between glycine and valine. This variant is not present in population databases (ExAC no frequency). This variant has not been reported in the literature in individuals with PRKAR1A-related conditions. Algorithms developed to predict the effect of missense changes on protein structure and function are either unavailable or do not agree on the potential impact of this missense change (SIFT: "Deleterious"; PolyPhen-2: "Probably Damaging"; Align-GVGD: "Class C0"). In summary, the available evidence is currently insufficient to determine the role of this variant in disease. Therefore, it has been classified as a Variant of Uncertain Significance.